The following is an entry in ClinVar:

NM_001035.3(RYR2):c.11828C>A (p.Ala3943Asp)

Gene: RYR2 (ryanodine receptor 2; plus strand). Cytogenetic location: 1q43.
Variant type: single nucleotide variant.
Coding change: c.11828C>A on transcript NM_001035.3 (MANE Select); coding-DNA position 11828, C replaced by A.
Protein change: p.Ala3943Asp; replaces alanine 3943 with aspartic acid.
Molecular consequence: missense variant.
Genome position (GRCh38, 1-based): chr1:237,778,718, C>A. VCF-style: chr1-237778718-C-A. GRCh37 (hg19) VCF-style: chr1-237942018-C-A.
Other names: short protein forms A3943D.
Identifiers: ClinVar variation 4697937 (VCV004697937.1).

ClinVar aggregate classification (germline): Pathogenic (1 of 4 stars; one submission).

Conditions:
Catecholaminergic polymorphic ventricular tachycardia 1. Also called: RYR2-Related Catecholaminergic Polymorphic Ventricular Tachycardia; VENTRICULAR TACHYCARDIA, STRESS-INDUCED POLYMORPHIC 1; VENTRICULAR TACHYCARDIA, CATECHOLAMINERGIC POLYMORPHIC, 1, WITH OR WITHOUT ATRIAL DYSFUNCTION AND/OR DILATED CARDIOMYOPATHY. Identifiers: Orphanet 3286, MedGen C1631597, MONDO:0011484, OMIM 604772.

Submission:

Labcorp Genetics (formerly Invitae), Labcorp
Classification: Pathogenic for Catecholaminergic polymorphic ventricular tachycardia 1. Last evaluated: 2025-09-15. Review status: criteria provided, single submitter. Criteria: Invitae Variant Classification Sherloc (09022015). Collection method: clinical testing. Allele origin: germline.
Comment: This sequence change replaces alanine, which is neutral and non-polar, with aspartic acid, which is acidic and polar, at codon 3943 of the RYR2 protein (p.Ala3943Asp). This variant is not present in population databases (gnomAD no frequency). This missense change has been observed in individual(s) with autosomal dominant RYR2-related conditions (PMID: 31737537; internal data). In at least one individual the variant was observed to be de novo. Invitae Evidence Modeling of protein sequence and biophysical properties (such as structural, functional, and spatial information, amino acid conservation, physicochemical variation, residue mobility, and thermodynamic stability) indicates that this missense variant is expected to disrupt RYR2 protein function with a positive predictive value of 95%. For these reasons, this variant has been classified as Pathogenic.

Literature cited by the submitters: PubMed 31737537.